The following is an entry in ClinVar:

ClinVar aggregate classification (germline): Benign/Likely benign. Review status: criteria provided, multiple submitters, no conflicts (2 of 4 stars). 8 submissions from 8 submitters: Benign (3); Likely benign (5). Last evaluated 2025-12-17.

Conditions:
Charcot-Marie-Tooth disease type 2E (CMT2E). Also called: CHARCOT-MARIE-TOOTH DISEASE, AXONAL, TYPE 2E; CHARCOT-MARIE-TOOTH NEUROPATHY, TYPE 2E. Identifiers: Orphanet 99939, MedGen C1843225, MONDO:0011894, OMIM 607684.
NEFL-related disorder. Also called: NEFL-related condition.
Charcot-Marie-Tooth disease. Also called: Charcot-Marie-Tooth Hereditary Neuropathy; Charcot-Marie-Tooth Neuropathy. Identifiers: Orphanet 166, MedGen C0007959, MONDO:0015626.

Allele frequency attached by ClinVar (database versions not stated): 1000 Genomes Project 0.00100; 1000 Genomes Project 30x 0.00109; ESP Exome Variant Server 0.00157; gnomAD 0.00204 and 0.00221; TOPMed 0.00222.
gnomAD v4.1: 565 of 1,613,850 alleles (0.035%); highest among the groups gnomAD compares: African/African-American, 0.71%; 3 homozygotes.

Submissions (8):

Labcorp Genetics (formerly Invitae), Labcorp
Classification: Benign for Charcot-Marie-Tooth disease type 2E. Last evaluated: 2025-12-17. Review status: criteria provided, single submitter. Criteria: Invitae Variant Classification Sherloc (09022015). Collection method: clinical testing. Allele origin: germline.

PreventionGenetics, part of Exact Sciences
Classification: Likely benign for NEFL-related condition. Last evaluated: 2025-05-28. Review status: criteria provided, single submitter. Criteria: ACMG Guidelines, 2015. Collection method: clinical testing. Allele origin: germline.
Comment: This variant is classified as likely benign based on ACMG/AMP sequence variant interpretation guidelines (Richards et al. 2015 PMID: 25741868, with internal and published modifications).

Mayo Clinic Laboratories, Mayo Clinic
Classification: Benign. Last evaluated: 2025-04-22. Review status: criteria provided, single submitter. Criteria: ACMG Guidelines, 2015. Collection method: clinical testing. Allele origin: germline. Observed: 2 variant alleles.

Blueprint Genetics
Classification: Likely benign. Last evaluated: 2024-01-23. Review status: criteria provided, single submitter. Criteria: ACMG Guidelines, 2015. Collection method: clinical testing. Allele origin: germline.

CeGaT Center for Human Genetics Tuebingen
Classification: Likely benign. Last evaluated: 2020-09-01. Review status: criteria provided, single submitter. Criteria: CeGaT Center For Human Genetics Tuebingen Variant Classification Criteria Version 2. Collection method: clinical testing. Allele origin: germline. Affected: yes. Observed: 1 variant allele.

Athena Diagnostics
Classification: Benign. Last evaluated: 2017-02-09. Review status: criteria provided, single submitter. Criteria: Athena Diagnostics Criteria. Collection method: clinical testing. Allele origin: germline.

GeneDx
Classification: Likely benign. Last evaluated: 2017-01-03. Review status: criteria provided, single submitter. Criteria: GeneDx Variant Classification (06012015). Collection method: clinical testing. Allele origin: germline. Affected: yes.
Comment: This variant is considered likely benign or benign based on one or more of the following criteria: it is a conservative change, it occurs at a poorly conserved position in the protein, it is predicted to be benign by multiple in silico algorithms, and/or has population frequency not consistent with disease.

Molecular Genetics Laboratory, London Health Sciences Centre
Classification: Likely benign for Charcot-Marie-Tooth disease. Review status: criteria provided, single submitter. Criteria: ACMG Guidelines, 2015. Collection method: clinical testing. Allele origin: germline. Affected: yes.

NM_006158.5(NEFL):c.855C>T (p.Thr285=)

Gene: NEFL (neurofilament light chain; minus strand). Cytogenetic location: 8p21.2.
Variant type: single nucleotide variant.
Coding change: c.855C>T on transcript NM_006158.5 (MANE Select); coding-DNA position 855, C replaced by T.
Protein change: p.Thr285=; no amino-acid change (threonine 285 retained).
Molecular consequence: synonymous variant.
Genome position (GRCh38, 1-based): chr8:24,955,661, G>A on the plus strand (C>T on the coding strand, the complement: NEFL is on the minus strand). VCF-style: chr8-24955661-G-A. GRCh37 (hg19) VCF-style: chr8-24813175-G-A.
Other names: p.Thr285=.
Identifiers: ClinVar variation 383727 (VCV000383727.51), dbSNP rs1065083, ClinGen allele CA4681428.